The following is an entry in ClinVar:

ClinVar aggregate classification (germline): Likely pathogenic (1 of 4 stars; one submission).

Conditions:
Alstrom syndrome (ALMS). Identifiers: Orphanet 64, MedGen C0268425, MONDO:0008763, OMIM 203800.

Submission:

Myriad Genetics, Inc.
Classification: Likely pathogenic for Alstrom syndrome. Last evaluated: 2022-03-30. Review status: criteria provided, single submitter. Criteria: Myriad Women's Health Autosomal Recessive and X-Linked Classification Criteria (2021). Collection method: clinical testing. Allele origin: unknown.
Comment: NM_015120.4(ALMS1):c.4963A>T(K1655*) is expected to be pathogenic in the context of Alstrom syndrome. This variant is predicted to lead to an abnormal or absent protein product due to the creation of a premature termination codon in ALMS1, a gene where loss-of-function variants are known to be pathogenic. Please note: this variant was assessed in the context of healthy population screening.

NM_001378454.1(ALMS1):c.4960A>T (p.Lys1654Ter)

Gene: ALMS1 (ALMS1 centrosome and basal body associated protein; plus strand). Cytogenetic location: 2p13.1.
Variant type: single nucleotide variant.
Coding change: c.4960A>T on transcript NM_001378454.1 (MANE Select); coding-DNA position 4960, A replaced by T.
Protein change: p.Lys1654Ter; replaces lysine 1654 with a stop codon.
Molecular consequence: nonsense.
Genome position (GRCh38, 1-based): chr2:73,451,487, A>T. VCF-style: chr2-73451487-A-T. GRCh37 (hg19) VCF-style: chr2-73678614-A-T.
Other names: c.4963A>T, p.Lys1655Ter (NM_015120.4); short protein forms K1654*, K1655*.
Identifiers: ClinVar variation 1725562 (VCV001725562.2), dbSNP rs2466103413, ClinGen allele CA347279619.
Genomic context (GRCh38, chr2:73,451,487, plus strand): 5'-GACAGTCCTCTAAATAAAGAGGTTGTGAAAGTTTCAGCTGCTCCTGGACCAGCTGACCAG[A>T]AGACTGAGACATTACCAGTACATTCTACTAGCTACTCAAATAGGGGGAAGCCTGTCATTT-3'